The following is an entry in ClinVar:

NM_032242.4(PLXNA1):c.4008C>T (p.Ile1336=)

Gene: PLXNA1 (plexin A1; plus strand). Cytogenetic location: 3q21.3.
Variant type: single nucleotide variant.
Coding change: c.4008C>T on transcript NM_032242.4 (MANE Select); coding-DNA position 4008, C replaced by T.
Protein change: p.Ile1336=; no amino-acid change (isoleucine 1336 retained).
Molecular consequence: synonymous variant.
Genome position (GRCh38, 1-based): chr3:127,020,314, C>T. VCF-style: chr3-127020314-C-T. GRCh37 (hg19) VCF-style: chr3-126739157-C-T.
Identifiers: ClinVar variation 3047567 (VCV003047567.2), dbSNP rs150756697, ClinGen allele CA2594202.

ClinVar aggregate classification (germline): Likely benign (0 of 4 stars; one submission).

Conditions:
PLXNA1-related disorder. Also called: PLXNA1-related condition.

Allele frequency attached by ClinVar (database versions not stated): gnomAD exomes 0.00002; ExAC 0.00009; TOPMed 0.00029; ESP Exome Variant Server 0.00031.
gnomAD v4.1: 72 of 1,612,926 alleles (0.0045%); highest among the groups gnomAD compares: African/African-American, 0.059%; no homozygotes.

Submission:

PreventionGenetics, part of Exact Sciences
Classification: Likely benign for PLXNA1-related condition. Last evaluated: 2021-09-17. Review status: no assertion criteria provided. Collection method: clinical testing. Allele origin: germline.
Comment: This variant is classified as likely benign based on ACMG/AMP sequence variant interpretation guidelines (Richards et al. 2015 PMID: 25741868, with internal and published modifications).